The following is an entry in ClinVar:

NM_000032.5(ALAS2):c.1438-19G>C

Gene: ALAS2 (5'-aminolevulinate synthase 2; minus strand). Cytogenetic location: Xp11.21.
Variant type: single nucleotide variant.
Coding change: c.1438-19G>C on transcript NM_000032.5 (MANE Select); 19 bases into the intron before coding-DNA position 1438, G replaced by C.
Molecular consequence: intron variant.
Genome position (GRCh38, 1-based): chrX:55,013,667, C>G on the plus strand (G>C on the coding strand, the complement: ALAS2 is on the minus strand). VCF-style: chrX-55013667-C-G. GRCh37 (hg19) VCF-style: chrX-55040100-C-G.
Other names: c.1438-19G>C (LRG_1163t1); c.1327-19G>C (NM_001037967.4); c.1399-19G>C (NM_001037968.4).
Identifiers: ClinVar variation 136355 (VCV000136355.10), dbSNP rs199765340, ClinGen allele CA289380.

ClinVar aggregate classification (germline): Benign/Likely benign. Review status: criteria provided, multiple submitters, no conflicts (2 of 4 stars). 3 submissions from 3 submitters: Benign (2); Likely benign (1). Last evaluated 2026-02-01.

Allele frequency attached by ClinVar (database versions not stated): gnomAD exomes 0.00112; gnomAD 0.00347 and 0.00348; ESP Exome Variant Server 0.00388; TOPMed 0.00397; 1000 Genomes Project 0.00636; 1000 Genomes Project 30x 0.00687.
gnomAD v4.1: 852 of 1,207,028 alleles (0.071%); highest among the groups gnomAD compares: African/African-American, 1.1%; 8 homozygotes.

Submissions (3):

Labcorp Genetics (formerly Invitae), Labcorp
Classification: Benign. Last evaluated: 2026-02-01. Review status: criteria provided, single submitter. Criteria: Invitae Variant Classification Sherloc (09022015). Collection method: clinical testing. Allele origin: germline.

Blueprint Genetics
Classification: Likely benign. Last evaluated: 2024-09-24. Review status: criteria provided, single submitter. Criteria: ACMG Guidelines, 2015. Collection method: clinical testing. Allele origin: germline.

GeneDx
Classification: Benign. Last evaluated: 2014-04-22. Review status: criteria provided, single submitter. Criteria: GeneDx Variant Classification (06012015). Collection method: clinical testing. Allele origin: germline. Affected: yes.
Comment: This variant is considered likely benign or benign based on one or more of the following criteria: it is a conservative change, it occurs at a poorly conserved position in the protein, it is predicted to be benign by multiple in silico algorithms, and/or has population frequency not consistent with disease.